The following is an entry in ClinVar:

ClinVar aggregate classification (germline): Likely benign. Review status: criteria provided, single submitter (1 of 4 stars). 2 submissions from 2 submitters: Likely benign (1). 1 of the submissions does not count toward it. Last evaluated 2024-05-15.

Conditions:
FGFR3-related disorder. Also called: FGFR3-related disorders.

gnomAD v4.1: 2 of 1,549,534 alleles (0.00013%); highest among the groups gnomAD compares: Non-Finnish European, 0.00017%; no homozygotes.

Submissions (2):

Labcorp Genetics (formerly Invitae), Labcorp
Classification: Likely benign. Last evaluated: 2024-05-15. Review status: criteria provided, single submitter. Criteria: Invitae Variant Classification Sherloc (09022015). Collection method: clinical testing. Allele origin: germline.

PreventionGenetics, part of Exact Sciences
Classification: Likely benign for FGFR3-related condition. Last evaluated: 2021-05-12. Review status: no assertion criteria provided. Collection method: clinical testing. Allele origin: germline. Not counted in ClinVar's aggregate classification.
Comment: This variant is classified as likely benign based on ACMG/AMP sequence variant interpretation guidelines (Richards et al. 2015 PMID: 25741868, with internal and published modifications).

NM_000142.5(FGFR3):c.1267-8C>T

Gene: FGFR3 (fibroblast growth factor receptor 3; plus strand). Cytogenetic location: 4p16.3.
Variant type: single nucleotide variant.
Coding change: c.1267-8C>T on transcript NM_000142.5 (MANE Select); 8 bases into the intron before coding-DNA position 1267, C replaced by T.
Molecular consequence: intron variant.
Genome position (GRCh38, 1-based): chr4:1,804,816, C>T. VCF-style: chr4-1804816-C-T. GRCh37 (hg19) VCF-style: chr4-1806543-C-T.
Other names: c.1273-8C>T (NM_001163213.2); c.1267-5C>T (NM_001354809.2, NM_001354810.2, NM_001354810.1); c.931-8C>T (NM_022965.4).
Identifiers: ClinVar variation 465345 (VCV000465345.12), dbSNP rs1553847171, ClinGen allele CA658655833.
Genomic context (GRCh38, chr4:1,804,816, plus strand): 5'-GACCCCCGGCTGTACCTCCACGCCCTGTCGCCCACGCGGCGCCAACCTGCCCCTGCTGAC[C>T]CAAGCAGGTGTCCCTGGAGTCCAACGCGTCCATGAGCTCCAACACACCACTGGTGCGCAT-3'